The following is an entry in ClinVar:

ClinVar aggregate classification (germline): Likely benign (1 of 4 stars; one submission).

Conditions:
IRF6-related condition. Also called: IRF6-related disorder; IRF6-Related Disorders. Identifiers: MedGen CN378148, MONDO:1040010.

gnomAD v4.1: 36 of 1,614,218 alleles (0.0022%); highest among the groups gnomAD compares: Middle Eastern, 0.016%; no homozygotes.

Submission:

PreventionGenetics, part of Exact Sciences
Classification: Likely benign for IRF6-related condition. Last evaluated: 2026-06-27. Review status: criteria provided, single submitter. Criteria: ACMG Guidelines, 2015. Collection method: clinical testing. Allele origin: germline.
Comment: This variant is classified as likely benign based on ACMG/AMP sequence variant interpretation guidelines (Richards et al. 2015 PMID: 25741868, with internal and published modifications).

NM_006147.4(IRF6):c.624G>A (p.Gln208=)

Gene: IRF6 (interferon regulatory factor 6; minus strand). Cytogenetic location: 1q32.2.
Variant type: single nucleotide variant.
Coding change: c.624G>A on transcript NM_006147.4 (MANE Select); coding-DNA position 624, G replaced by A.
Protein change: p.Gln208=; no amino-acid change (glutamine 208 retained).
Molecular consequence: synonymous variant.
Genome position (GRCh38, 1-based): chr1:209,792,312, C>T on the plus strand (G>A on the coding strand, the complement: IRF6 is on the minus strand). VCF-style: chr1-209792312-C-T. GRCh37 (hg19) VCF-style: chr1-209965657-C-T.
Other names: c.339G>A, p.Gln113= (NM_001206696.2).
Identifiers: ClinVar variation 4978245 (VCV004978245.1).